The following is an entry in ClinVar:

ClinVar aggregate classification (germline): Uncertain significance (1 of 4 stars; one submission).

Allele frequency attached by ClinVar (database versions not stated): gnomAD exomes below 0.00001.
gnomAD v4.1: 1 of 1,613,914 alleles (0.000062%); highest among the groups gnomAD compares: Non-Finnish European, 0.000085%; no homozygotes.

Submission:

Labcorp Genetics (formerly Invitae), Labcorp
Classification: Uncertain significance. Last evaluated: 2022-03-04. Review status: criteria provided, single submitter. Criteria: Invitae Variant Classification Sherloc (09022015). Collection method: clinical testing. Allele origin: germline.
Comment: In summary, the available evidence is currently insufficient to determine the role of this variant in disease. Therefore, it has been classified as a Variant of Uncertain Significance. Algorithms developed to predict the effect of missense changes on protein structure and function are either unavailable or do not agree on the potential impact of this missense change (SIFT: "Deleterious"; PolyPhen-2: "Possibly Damaging"; Align-GVGD: "Class C0"). This variant has not been reported in the literature in individuals affected with HK1-related conditions. This variant is present in population databases (no rsID available, gnomAD 0.0009%). This sequence change replaces threonine, which is neutral and polar, with serine, which is neutral and polar, at codon 857 of the HK1 protein (p.Thr857Ser).

NM_000188.3(HK1):c.2569A>T (p.Thr857Ser)

Gene: HK1 (hexokinase 1; plus strand). Cytogenetic location: 10q22.1.
Variant type: single nucleotide variant.
Coding change: c.2569A>T on transcript NM_000188.3 (MANE Select); coding-DNA position 2569, A replaced by T.
Protein change: p.Thr857Ser; replaces threonine 857 with serine.
Molecular consequence: missense variant.
Genome position (GRCh38, 1-based): chr10:69,398,788, A>T. VCF-style: chr10-69398788-A-T. GRCh37 (hg19) VCF-style: chr10-71158544-A-T.
Other names: c.2581A>T, p.Thr861Ser (NM_001322364.2, NM_001358263.1, NM_033497.3 and 1 more transcripts); c.2674A>T, p.Thr892Ser (NM_001322365.2); c.2485A>T, p.Thr829Ser (NM_001322366.1); c.2473A>T, p.Thr825Ser (NM_001322367.1); c.2566A>T, p.Thr856Ser (NM_033496.3); c.2533A>T, p.Thr845Ser (NM_033500.2); short protein forms T825S, T829S, T857S, T845S, T861S, T856S, T892S.
Identifiers: ClinVar variation 2099547 (VCV002099547.4), dbSNP rs1477862149, ClinGen allele CA376917247.